The following is an entry in ClinVar:

ClinVar aggregate classification (germline): Uncertain significance. Review status: criteria provided, multiple submitters, no conflicts (2 of 4 stars). 2 submissions from 2 submitters: Uncertain significance (2). Last evaluated 2025-04-15.

Conditions:
Arrhythmogenic right ventricular dysplasia 8 (ARVD8). Also called: ARRHYTHMOGENIC RIGHT VENTRICULAR DYSPLASIA, FAMILIAL, 8; ARRHYTHMOGENIC RIGHT VENTRICULAR CARDIOMYOPATHY 8; Arrhythmogenic Right Ventricular Dysplasia/Cardiomyopathy 8. Identifiers: MedGen C1843896, MONDO:0011831, OMIM 607450.
Cardiomyopathy, dilated, with wooly hair, keratoderma, and tooth agenesis. Also called: Erythrokeratodermia-cardiomyopathy syndrome; Cardiomyopathy, dilated, with woolly hair, keratoderma, and tooth agenesis. Identifiers: Orphanet 476096, Orphanet 65282, MedGen C4014393, MONDO:0014355, OMIM 615821.

Submissions (2):

Institute of Immunology and Genetics Kaiserslautern
Classification: Uncertain significance for Cardiomyopathy, dilated, with wooly hair, keratoderma, and tooth agenesis; Arrhythmogenic right ventricular dysplasia 8. Last evaluated: 2025-04-15. Review status: criteria provided, single submitter. Criteria: ACMG Guidelines, 2015. Collection method: clinical testing. Allele origin: germline. Affected: yes.
Comment: ACMG Criteria:PM2_P, PP3 ; Variant was found in heterozygous state.

MGZ Medical Genetics Center
Classification: Uncertain significance for Arrhythmogenic right ventricular dysplasia 8. Last evaluated: 2021-10-06. Review status: criteria provided, single submitter. Criteria: ACMG Guidelines, 2015. Collection method: clinical testing. Allele origin: germline. Affected: yes. Observed: 1 variant allele.
Comment: ACMG criteria applied: PM1, PM2_SUP, PP3

NM_004415.4(DSP):c.1100G>A (p.Cys367Tyr)

Gene: DSP (desmoplakin; plus strand). Cytogenetic location: 6p24.3.
Variant type: single nucleotide variant.
Coding change: c.1100G>A on transcript NM_004415.4 (MANE Select); coding-DNA position 1100, G replaced by A.
Protein change: p.Cys367Tyr; replaces cysteine 367 with tyrosine.
Molecular consequence: missense variant.
Genome position (GRCh38, 1-based): chr6:7,567,409, G>A. VCF-style: chr6-7567409-G-A. GRCh37 (hg19) VCF-style: chr6-7567642-G-A.
Other names: c.1100G>A, p.Cys367Tyr (NM_001008844.3, NM_001319034.2, NM_001406591.1); short protein forms C367Y.
Identifiers: ClinVar variation 1710025 (VCV001710025.3), dbSNP rs2533879928, ClinGen allele CA362675676.